The following is an entry in ClinVar:

NM_001144967.3(NEDD4L):c.1352C>T (p.Thr451Ile)

Gene: NEDD4L (NEDD4 like E3 ubiquitin protein ligase; plus strand). Cytogenetic location: 18q21.31.
Variant type: single nucleotide variant.
Coding change: c.1352C>T on transcript NM_001144967.3 (MANE Select); coding-DNA position 1352, C replaced by T.
Protein change: p.Thr451Ile; replaces threonine 451 with isoleucine.
Molecular consequence: missense variant.
Genome position (GRCh38, 1-based): chr18:58,341,772, C>T. VCF-style: chr18-58341772-C-T. GRCh37 (hg19) VCF-style: chr18-56009004-C-T.
Other names: c.1292C>T (NM_015277.5); c.989C>T, p.Thr330Ile (NM_001144964.1, NM_001144965.2, NM_001144966.3); c.1328C>T, p.Thr443Ile (NM_001144968.2); c.1268C>T, p.Thr423Ile (NM_001144969.2); c.929C>T, p.Thr310Ile (NM_001144970.3, NM_001144971.2); c.1160C>T, p.Thr387Ile (NM_001243960.2); c.1292C>T, p.Thr431Ile (NM_015277.6); short protein forms T431I, T387I, T310I, T330I, T423I, T443I, T451I.
Identifiers: ClinVar variation 1035394 (VCV001035394.10), dbSNP rs2042454132, ClinGen allele CA402562888.

ClinVar aggregate classification (germline): Uncertain significance. Review status: criteria provided, multiple submitters, no conflicts (2 of 4 stars). 3 submissions from 3 submitters: Uncertain significance (3). Last evaluated 2025-12-08.

Conditions:
Inborn genetic diseases. Identifiers: MedGen C0950123, MeSH D030342.

Submissions (3):

Ambry Genetics
Classification: Uncertain significance for Inborn genetic diseases. Last evaluated: 2025-12-08. Review status: criteria provided, single submitter. Criteria: Ambry Variant Classification Scheme 2023. Collection method: clinical testing. Allele origin: germline.

Greenwood Genetic Center Diagnostic Laboratories, Greenwood Genetic Center
Classification: Uncertain significance. Last evaluated: 2024-10-07. Review status: criteria provided, single submitter. Criteria: ACMG Guidelines, 2015. Collection method: clinical testing. Allele origin: germline. Affected: yes.
Comment: PM2, BP4, PP2

Labcorp Genetics (formerly Invitae), Labcorp
Classification: Uncertain significance. Last evaluated: 2022-10-25. Review status: criteria provided, single submitter. Criteria: Invitae Variant Classification Sherloc (09022015). Collection method: clinical testing. Allele origin: germline.
Comment: This sequence change replaces threonine, which is neutral and polar, with isoleucine, which is neutral and non-polar, at codon 431 of the NEDD4L protein (p.Thr431Ile). In summary, the available evidence is currently insufficient to determine the role of this variant in disease. Therefore, it has been classified as a Variant of Uncertain Significance. Algorithms developed to predict the effect of missense changes on protein structure and function (SIFT, PolyPhen-2, Align-GVGD) all suggest that this variant is likely to be tolerated. ClinVar contains an entry for this variant (Variation ID: 1035394). This variant has not been reported in the literature in individuals affected with NEDD4L-related conditions. This variant is not present in population databases (gnomAD no frequency).